The following is an entry in ClinVar:

NM_014585.6(SLC40A1):c.1295T>C (p.Met432Thr)

Gene: SLC40A1 (solute carrier family 40 member 1; minus strand). Cytogenetic location: 2q32.2.
Variant type: single nucleotide variant.
Coding change: c.1295T>C on transcript NM_014585.6 (MANE Select); coding-DNA position 1295, T replaced by C.
Protein change: p.Met432Thr; replaces methionine 432 with threonine.
Molecular consequence: missense variant.
Genome position (GRCh38, 1-based): chr2:189,563,691, A>G on the plus strand (T>C on the coding strand, the complement: SLC40A1 is on the minus strand). VCF-style: chr2-189563691-A-G. GRCh37 (hg19) VCF-style: chr2-190428417-A-G.
Other names: short protein forms M432T.
Identifiers: ClinVar variation 1446802 (VCV001446802.8), dbSNP rs372914788, ClinGen allele CA2024086.

ClinVar aggregate classification (germline): Uncertain significance (1 of 4 stars; one submission).

Conditions:
Hemochromatosis type 4 (HFE4). Also called: Ferroportin disease; HEMOCHROMATOSIS DUE TO DEFECT IN FERROPORTIN; HEMOCHROMATOSIS, AUTOSOMAL DOMINANT. Identifiers: Orphanet 139491, Orphanet 647834, Orphanet 648562, MedGen C1853733, MONDO:0011631, OMIM 606069.

Allele frequency attached by ClinVar (database versions not stated): gnomAD exomes below 0.00001 and 0.00001; TOPMed 0.00001; ExAC 0.00001; gnomAD 0.00001; ESP Exome Variant Server 0.00008.

Submission:

Labcorp Genetics (formerly Invitae), Labcorp
Classification: Uncertain significance for Hemochromatosis type 4. Last evaluated: 2021-07-29. Review status: criteria provided, single submitter. Criteria: Invitae Variant Classification Sherloc (09022015). Collection method: clinical testing. Allele origin: germline.
Comment: This sequence change replaces methionine with threonine at codon 432 of the SLC40A1 protein (p.Met432Thr). The methionine residue is weakly conserved and there is a moderate physicochemical difference between methionine and threonine. This variant is present in population databases (rs372914788, ExAC 0.001%). This variant has not been reported in the literature in individuals affected with SLC40A1-related conditions. Algorithms developed to predict the effect of missense changes on protein structure and function output the following: SIFT: "Tolerated"; PolyPhen-2: "Benign"; Align-GVGD: "Class C0". The threonine amino acid residue is found in multiple mammalian species, which suggests that this missense change does not adversely affect protein function. In summary, the available evidence is currently insufficient to determine the role of this variant in disease. Therefore, it has been classified as a Variant of Uncertain Significance.